The following is an entry in ClinVar:

NM_004304.5(ALK):c.4274T>C (p.Leu1425Pro)

Gene: ALK (ALK receptor tyrosine kinase; minus strand). Cytogenetic location: 2p23.2.
Variant type: single nucleotide variant.
Coding change: c.4274T>C on transcript NM_004304.5 (MANE Select); coding-DNA position 4274, T replaced by C.
Protein change: p.Leu1425Pro; replaces leucine 1425 with proline.
Molecular consequence: missense variant.
Genome position (GRCh38, 1-based): chr2:29,193,813, A>G on the plus strand (T>C on the coding strand, the complement: ALK is on the minus strand). VCF-style: chr2-29193813-A-G. GRCh37 (hg19) VCF-style: chr2-29416679-A-G.
Other names: c.1070T>C, p.Leu357Pro (NM_001353765.2); short protein forms L1425P, L357P.
Identifiers: ClinVar variation 3286251 (VCV003286251.3).

ClinVar aggregate classification (germline): Uncertain significance. Review status: criteria provided, multiple submitters, no conflicts (2 of 4 stars). 2 submissions from 2 submitters: Uncertain significance (2). Last evaluated 2024-05-17.

Conditions:
Neuroblastoma, susceptibility to, 3. Also called: ALK-Related Neuroblastic Tumor Susceptibility. Identifiers: Orphanet 635, MedGen C2751681, MONDO:0013083, OMIM 613014.
Hereditary cancer-predisposing syndrome. Also called: Neoplastic Syndromes, Hereditary; Hereditary neoplastic syndrome; Tumor predisposition; Hereditary Cancer Syndrome. Identifiers: Orphanet 140162, MedGen C0027672, MeSH D009386, MONDO:0015356.

Submissions (2):

Ambry Genetics
Classification: Uncertain significance for Hereditary cancer-predisposing syndrome. Last evaluated: 2024-05-17. Review status: criteria provided, single submitter. Criteria: Ambry Variant Classification Scheme 2023. Collection method: clinical testing. Allele origin: germline.
Comment: The p.L1425P variant (also known as c.4274T>C), located in coding exon 29 of the ALK gene, results from a T to C substitution at nucleotide position 4274. The leucine at codon 1425 is replaced by proline, an amino acid with similar properties. This amino acid position is conserved. In addition, the in silico prediction for this alteration is inconclusive. Based on the available evidence, the clinical significance of this variant remains unclear.

Labcorp Genetics (formerly Invitae), Labcorp
Classification: Uncertain significance for Neuroblastoma, susceptibility to, 3. Last evaluated: 2024-02-29. Review status: criteria provided, single submitter. Criteria: Invitae Variant Classification Sherloc (09022015). Collection method: clinical testing. Allele origin: germline.
Comment: This sequence change replaces leucine, which is neutral and non-polar, with proline, which is neutral and non-polar, at codon 1425 of the ALK protein (p.Leu1425Pro). This variant is not present in population databases (gnomAD no frequency). This variant has not been reported in the literature in individuals affected with ALK-related conditions. An algorithm developed to predict the effect of missense changes on protein structure and function (PolyPhen-2) suggests that this variant is likely to be disruptive. In summary, the available evidence is currently insufficient to determine the role of this variant in disease. Therefore, it has been classified as a Variant of Uncertain Significance.